The following is an entry in ClinVar:

NM_003384.3(VRK1):c.373A>G (p.Ser125Gly)

Gene: VRK1 (VRK serine/threonine kinase 1; plus strand). Cytogenetic location: 14q32.2.
Variant type: single nucleotide variant.
Coding change: c.373A>G on transcript NM_003384.3 (MANE Select); coding-DNA position 373, A replaced by G.
Protein change: p.Ser125Gly; replaces serine 125 with glycine.
Molecular consequence: missense variant.
Genome position (GRCh38, 1-based): chr14:96,847,343, A>G. VCF-style: chr14-96847343-A-G. GRCh37 (hg19) VCF-style: chr14-97313680-A-G.
Other names: short protein forms S125G.
Identifiers: ClinVar variation 948462 (VCV000948462.11), dbSNP rs1887746110, ClinGen allele CA390930184.
Genomic context (GRCh38, chr14:96,847,343, plus strand): 5'-CTGAAGTACCTGGGTGTTCCTAAGTATTGGGGGTCTGGTCTACATGACAAAAATGGAAAA[A>G]GGTAAAAATATGTGTGATTTGTCTTTCTCCTTCCCTTTTGCAACATTCACTATTTAGTTG-3'
Protein context (NP_003375.1, residues 115-135): GSGLHDKNGK[Ser125Gly]YRFMIMDRFG

ClinVar aggregate classification (germline): Uncertain significance (1 of 4 stars; one submission).

Conditions:
Pontocerebellar hypoplasia type 1A (PCH1A). Also called: PONTOCEREBELLAR HYPOPLASIA WITH ANTERIOR HORN CELL DISEASE; PONTOCEREBELLAR HYPOPLASIA WITH INFANTILE SPINAL MUSCULAR ATROPHY. Identifiers: Orphanet 2254, Orphanet 88616, MedGen C1843504, MONDO:0011866, OMIM 607596.

Submission:

Labcorp Genetics (formerly Invitae), Labcorp
Classification: Uncertain significance for Pontocerebellar hypoplasia type 1A. Last evaluated: 2019-05-15. Review status: criteria provided, single submitter. Criteria: Invitae Variant Classification Sherloc (09022015). Collection method: clinical testing. Allele origin: germline.
Comment: This sequence change replaces serine with glycine at codon 125 of the VRK1 protein (p.Ser125Gly). The serine residue is moderately conserved and there is a small physicochemical difference between serine and glycine. In summary, the available evidence is currently insufficient to determine the role of this variant in disease. Therefore, it has been classified as a Variant of Uncertain Significance. Algorithms developed to predict the effect of sequence changes on RNA splicing suggest that this variant may disrupt the consensus splice site, but this prediction has not been confirmed by published transcriptional studies. Algorithms developed to predict the effect of missense changes on protein structure and function (SIFT, PolyPhen-2, Align-GVGD) all suggest that this variant is likely to be tolerated, but these predictions have not been confirmed by published functional studies and their clinical significance is uncertain. This variant has not been reported in the literature in individuals with VRK1-related conditions. This variant is not present in population databases (ExAC no frequency).